The following is an entry in ClinVar:

ClinVar aggregate classification (germline): Likely pathogenic. Review status: criteria provided, multiple submitters, no conflicts (2 of 4 stars). 2 submissions from 2 submitters: Likely pathogenic (2). Last evaluated 2023-09-11.

Conditions:
Achondrogenesis type II (ACG2). Also called: ACHONDROGENESIS, LANGER-SALDINO TYPE; CHONDROGENESIS IMPERFECTA. Identifiers: Orphanet 932, Orphanet 93296, MedGen C0220685, MONDO:0008702, OMIM 200610.

Submissions (2):

Women's Health and Genetics/Laboratory Corporation of America, LabCorp
Classification: Likely pathogenic for Achondrogenesis type II. Last evaluated: 2023-09-11. Review status: criteria provided, single submitter. Criteria: LabCorp Variant Classification Summary - May 2015. Collection method: clinical testing. Allele origin: germline.
Comment: Variant summary: COL2A1 c.2910_2918delACCAGGTCC (p.Pro971_Pro973del) results in an in-frame deletion that is predicted to remove 3 amino acids from the encoded protein including one Glycine in a Gly-X-Y repeat region. Alterations of glycine residues within the collagen triple-helix are common mechanisms of disease. The variant was absent in 250708 control chromosomes (gnomAD). The available data on variant occurrences in the general population are insufficient to allow any conclusion about variant significance. To our knowledge, no occurrence of c.2910_2918delACCAGGTCC in individuals affected with Achondrogenesis, Type II and no experimental evidence demonstrating its impact on protein function have been reported. One ClinVar submitter has assessed the variant since 2014, and classified the variant as likely pathogenic. Based on the evidence outlined above, the variant was classified as likely pathogenic.

Labcorp Genetics (formerly Invitae), Labcorp
Classification: Likely pathogenic. Last evaluated: 2020-09-18. Review status: criteria provided, single submitter. Criteria: Invitae Variant Classification Sherloc (09022015). Collection method: clinical testing. Allele origin: germline.
Comment: This variant, c.2910_2918del, results in the deletion of 3 amino acid(s) of the COL2A1 protein (p.Pro971_Pro973del), but otherwise preserves the integrity of the reading frame. This variant is not present in population databases (ExAC no frequency). This variant has not been reported in the literature in individuals with COL2A1-related conditions. Experimental studies and prediction algorithms are not available or were not evaluated, and the functional significance of this variant is currently unknown. This variant disrupts the triple helix domain of COL2A1. Glycine residues within the Gly-Xaa-Yaa repeats of the triple helix domain are required for the structure and stability of fibrillar collagens (PMID: 7695699, 8218237, 19344236). In COL2A1, variants affecting these glycine residues are significantly enriched in individuals with disease (PMID: 9016532, 17078022) compared to the general population (ExAC). In summary, the currently available evidence indicates that the variant is pathogenic, but additional data are needed to prove that conclusively. Therefore, this variant has been classified as Likely Pathogenic.

Literature cited by the submitters: PubMed 7695699 (cited by Labcorp Genetics (formerly Invitae), Labcorp); PubMed 8218237 (cited by Labcorp Genetics (formerly Invitae), Labcorp); PubMed 19344236 (cited by Labcorp Genetics (formerly Invitae), Labcorp); PubMed 9016532 (cited by Labcorp Genetics (formerly Invitae), Labcorp); PubMed 17078022 (cited by Labcorp Genetics (formerly Invitae), Labcorp).

NM_001844.5(COL2A1):c.2910_2918del (p.Pro971_Pro973del)

Gene: COL2A1 (collagen type II alpha 1 chain; minus strand). Cytogenetic location: 12q13.11.
Variant type: Deletion.
Coding change: c.2910_2918del on transcript NM_001844.5 (MANE Select); coding-DNA positions 2910 to 2918, 9 bases deleted (ACCAGGTCC; older notation c.2910_2918delACCAGGTCC).
Protein change: p.Pro971_Pro973del.
Molecular consequence: inframe deletion.
Genome position (GRCh38, 1-based): chr12:47,978,376-47,978,384, GGACCTGGT deleted on the plus strand (ACCAGGTCC on the coding strand, the reverse complement: COL2A1 is on the minus strand); deleting any 9 consecutive bases within chr12:47,978,376-47,978,390 gives the same sequence; the c. name uses the placement nearest the transcript's 3' end. VCF-style (leftmost placement, unchanged base first): chr12-47978375-GGGACCTGGT-G. GRCh37 (hg19) VCF-style: chr12-48372158-GGGACCTGGT-G.
Other names: c.2703_2711del, p.Pro902_Pro904del (NM_033150.3); c.2910_2918delACCAGGTCC (NM_001844.4).
Identifiers: ClinVar variation 1067954 (VCV001067954.9), dbSNP rs2136526614, ClinGen allele CA2499221660.
Genomic context (GRCh38, chr12:47,978,375, plus strand): 5'-TCCTCTCTCACCACGTTGCCCAGGCAGACCGACGATGCCTCTCTGACCAGCCAGACCCTG[GGGACCTGGT>G]GGACCTTCGGCACCCTGAGAGAGGAGAGGCAGGAGATGAGAACTGACAGTGGCCCAGCCT-3'